The following is an entry in ClinVar:

ClinVar aggregate classification (germline): Conflicting classifications of pathogenicity. Review status: criteria provided, conflicting classifications (1 of 4 stars). 5 submissions from 1 submitter: Uncertain significance (3); Likely benign (2). Last evaluated 2018-01-13.

Conditions:
Early-onset myopathy with fatal cardiomyopathy (CMYO5). Also called: CONGENITAL MYOPATHY 5 WITH CARDIOMYOPATHY; Salih Myopathy. Identifiers: Orphanet 289377, MedGen C2673677, MONDO:0012714, OMIM 611705. Disease mechanism: loss of function.
Autosomal recessive limb-girdle muscular dystrophy type 2J (LGMDR10). Also called: Limb-girdle muscular dystrophy, type 2J; MUSCULAR DYSTROPHY, LIMB-GIRDLE, AUTOSOMAL RECESSIVE 10. Identifiers: Orphanet 140922, MedGen C1837342, MONDO:0012127, OMIM 608807.
Myopathy, myofibrillar, 9, with early respiratory failure (MFM9). Also called: EDSTROM MYOPATHY; MYOPATHY, PROXIMAL, WITH EARLY RESPIRATORY MUSCLE INVOLVEMENT; Myopathy, distal, with early respiratory failure, autosomal dominant; Hereditary myopathy with early respiratory failure. Identifiers: Orphanet 178464, Orphanet 34521, MedGen C1863599, MONDO:0011362, OMIM 603689.
Dilated cardiomyopathy 1G (CMD1G). Identifiers: Orphanet 154, MedGen C1858763, MONDO:0011400, OMIM 604145.
Tibial muscular dystrophy (TMD). Also called: Tibial muscular dystrophy, tardive; UDD MYOPATHY; Udd Distal Myopathy – Tibial Muscular Dystrophy. Identifiers: Orphanet 609, MedGen C1838244, MONDO:0010870, OMIM 600334.

Allele frequency attached by ClinVar (database versions not stated): gnomAD 0.00001; gnomAD exomes 0.00001; TOPMed 0.00001; ExAC 0.00002.
gnomAD v4.1: 9 of 1,612,692 alleles (0.00056%); highest among the groups gnomAD compares: Non-Finnish European, 0.00076%; no homozygotes.

Submissions (5):

Illumina Laboratory Services, Illumina
Classification: Likely benign for Myopathy, myofibrillar, 9, with early respiratory failure. Last evaluated: 2018-01-13. Review status: criteria provided, single submitter. Criteria: ICSL Variant Classification Criteria 13 December 2019. Collection method: clinical testing. Allele origin: germline.
Comment: This variant was observed in the ICSL laboratory as part of a predisposition screen in an ostensibly healthy population. It had not been previously curated by ICSL or reported in the Human Gene Mutation Database (HGMD: prior to June 1st, 2018), and was therefore a candidate for classification through an automated scoring system. Utilizing variant allele frequency, disease prevalence and penetrance estimates, and inheritance mode, an automated score was calculated to assess if this variant is too frequent to cause the disease. Based on the score and internal cut-off values, a variant classified as likely benign is not then subjected to further curation. The score for this variant resulted in a classification of likely benign for this disease.

Illumina Laboratory Services, Illumina
Classification: Likely benign for Tibial muscular dystrophy. Last evaluated: 2018-01-13. Review status: criteria provided, single submitter. Criteria: ICSL Variant Classification Criteria 13 December 2019. Collection method: clinical testing. Allele origin: germline.
Comment: the same text as in the submission from Illumina Laboratory Services, Illumina above.

Illumina Laboratory Services, Illumina
Classification: Uncertain significance for Early-onset myopathy with fatal cardiomyopathy. Last evaluated: 2018-01-13. Review status: criteria provided, single submitter. Criteria: ICSL Variant Classification Criteria 13 December 2019. Collection method: clinical testing. Allele origin: germline.

Illumina Laboratory Services, Illumina
Classification: Uncertain significance for Dilated cardiomyopathy 1G. Last evaluated: 2018-01-13. Review status: criteria provided, single submitter. Criteria: ICSL Variant Classification Criteria 13 December 2019. Collection method: clinical testing. Allele origin: germline.

Illumina Laboratory Services, Illumina
Classification: Uncertain significance for Autosomal recessive limb-girdle muscular dystrophy type 2J. Last evaluated: 2018-01-13. Review status: criteria provided, single submitter. Criteria: ICSL Variant Classification Criteria 13 December 2019. Collection method: clinical testing. Allele origin: germline.

NM_001267550.2(TTN):c.48099T>C (p.Tyr16033=)

Genes: TTN (titin; minus strand), TTN-AS1 (TTN antisense RNA 1; plus strand). Cytogenetic location: 2q31.2.
Variant type: single nucleotide variant.
Coding change: c.48099T>C on transcript NM_001267550.2 (MANE Select); coding-DNA position 48099, T replaced by C.
Protein change: p.Tyr16033=; no amino-acid change (tyrosine 16033 retained).
Molecular consequence: synonymous variant.
Genome position (GRCh38, 1-based): chr2:178,616,790, A>G on the plus strand (T>C on the coding strand, the complement: TTN is on the minus strand). VCF-style: chr2-178616790-A-G. GRCh37 (hg19) VCF-style: chr2-179481517-A-G.
Other names: c.43176T>C, p.Tyr14392= (NM_001256850.1); c.20904T>C, p.Tyr6968= (NM_003319.4); c.40395T>C, p.Tyr13465= (NM_133378.4); c.21279T>C, p.Tyr7093= (NM_133432.3); c.21480T>C, p.Tyr7160= (NM_133437.4).
Identifiers: ClinVar variation 893426 (VCV000893426.4), dbSNP rs760816246, ClinGen allele CA1994917.